The following is an entry in ClinVar:

NM_000503.6(EYA1):c.398C>T (p.Pro133Leu)

Gene: EYA1 (EYA transcriptional coactivator and phosphatase 1; minus strand). Cytogenetic location: 8q13.3.
Variant type: single nucleotide variant.
Coding change: c.398C>T on transcript NM_000503.6 (MANE Select); coding-DNA position 398, C replaced by T.
Protein change: p.Pro133Leu; replaces proline 133 with leucine.
Molecular consequence: missense variant.
Genome position (GRCh38, 1-based): chr8:71,321,754, G>A on the plus strand (C>T on the coding strand, the complement: EYA1 is on the minus strand). VCF-style: chr8-71321754-G-A. GRCh37 (hg19) VCF-style: chr8-72233989-G-A.
Other names: c.395C>T, p.Pro132Leu (NM_001288574.2); c.47C>T, p.Pro16Leu (NM_001288575.2); c.485C>T, p.Pro162Leu (NM_001370333.1, NM_172059.5); c.398C>T, p.Pro133Leu (NM_001370334.1, NM_001370335.1, NM_172058.4); c.482C>T, p.Pro161Leu (NM_001370336.1); short protein forms P132L, P133L, P161L, P162L, P16L.
Identifiers: ClinVar variation 1065070 (VCV001065070.3), dbSNP rs138234228, ClinGen allele CA179224612.
Genomic context (GRCh38, chr8:71,321,754, plus strand): 5'-CCATGCGATAACGCCACCACTACAGTTGCAGGTTACTCACCATATGAGGAAATGCCGTAC[G>A]GCTGTCCTGGCTGTGGGTACGTGGCATAGGCTGTAGCTTGTTGCATTCCTGTGGTAAACT-3'
Protein context (NP_000494.2, residues 123-143): AYATYPQPGQ[Pro133Leu]YGISSYGALW

ClinVar aggregate classification (germline): Uncertain significance (1 of 4 stars; one submission).

Conditions:
Hearing impairment. Also called: Impaired Hearing. Identifiers: MedGen C1384666, MONDO:0005365, HP:0000365.

Allele frequency attached by ClinVar (database versions not stated): gnomAD exomes below 0.00001; gnomAD 0.00001; TOPMed 0.00001; ESP Exome Variant Server 0.00008.
gnomAD v4.1: 6 of 1,614,040 alleles (0.00037%); highest among the groups gnomAD compares: Admixed American, 0.0017%; no homozygotes.

Submission:

Department of Otolaryngology – Head & Neck Surgery, Cochlear Implant Center
Classification: Uncertain significance for Hearing impairment. Last evaluated: 2021-04-12. Review status: criteria provided, single submitter. Criteria: ClinGen HL ACMG Specifications v1. Collection method: clinical testing. Allele origin: germline. Affected: yes.
Comment: PM2_Moderate, PP3_Supporting